The following is an entry in ClinVar:

NM_024675.4(PALB2):c.3130C>T (p.Gln1044Ter)

Gene: PALB2 (partner and localizer of BRCA2; minus strand). Cytogenetic location: 16p12.2.
Variant type: single nucleotide variant.
Coding change: c.3130C>T on transcript NM_024675.4 (MANE Select); coding-DNA position 3130, C replaced by T.
Protein change: p.Gln1044Ter; replaces glutamine 1044 with a stop codon.
Molecular consequence: nonsense.
Genome position (GRCh38, 1-based): chr16:23,614,075, G>A on the plus strand (C>T on the coding strand, the complement: PALB2 is on the minus strand). VCF-style: chr16-23614075-G-A. GRCh37 (hg19) VCF-style: chr16-23625396-G-A.
Other names: short protein forms Q1044*.
Identifiers: ClinVar variation 480290 (VCV000480290.34), dbSNP rs766394024, ClinGen allele CA395141418.

ClinVar aggregate classification (germline): Pathogenic/Likely pathogenic. Review status: criteria provided, multiple submitters, no conflicts (2 of 4 stars). 5 submissions from 5 submitters: Pathogenic (3); Likely pathogenic (1). 1 of the submissions does not count toward it. Last evaluated 2024-11-13.

Conditions:
Hereditary cancer-predisposing syndrome. Also called: Hereditary Cancer Syndrome; Neoplastic Syndromes, Hereditary; Tumor predisposition; Hereditary neoplastic syndrome. Identifiers: Orphanet 140162, MedGen C0027672, MeSH D009386, MONDO:0015356.
Familial cancer of breast. Also called: BREAST CANCER, FAMILIAL; Hereditary breast cancer; hereditary breast carcinoma. Identifiers: Orphanet 227535, MedGen C0346153, MONDO:0016419, OMIM 114480. Disease mechanism: loss of function.
Hereditary breast ovarian cancer syndrome. Also called: Hereditary breast and ovarian cancer syndrome; Hereditary breast and ovarian cancer; Hereditary breast and ovarian cancer syndrome (HBOC); Breast and ovarian cancer; Hereditary breast and/or ovarian cancer syndrome; BRCA1- and BRCA2-Associated Hereditary Breast and Ovarian Cancer. Identifiers: Orphanet 145, MedGen C0677776, MeSH D061325, MONDO:0003582. Disease mechanism: loss of function.

Submissions (5):

Ambry Genetics
Classification: Pathogenic for Hereditary cancer-predisposing syndrome. Last evaluated: 2024-11-13. Review status: criteria provided, single submitter. Criteria: Ambry Variant Classification Scheme 2023. Collection method: clinical testing. Allele origin: germline.
Comment: The p.Q1044* pathogenic mutation (also known as c.3130C>T), located in coding exon 11 of the PALB2 gene, results from a C to T substitution at nucleotide position 3130. This changes the amino acid from a glutamine to a stop codon within coding exon 11. This alteration is expected to result in loss of function by premature protein truncation or nonsense-mediated mRNA decay. As such, this alteration is interpreted as a disease-causing mutation.

Labcorp Genetics (formerly Invitae), Labcorp
Classification: Pathogenic for Familial cancer of breast. Last evaluated: 2024-01-28. Review status: criteria provided, single submitter. Criteria: Invitae Variant Classification Sherloc (09022015). Collection method: clinical testing. Allele origin: germline.
Comment: This sequence change creates a premature translational stop signal (p.Gln1044*) in the PALB2 gene. It is expected to result in an absent or disrupted protein product. Loss-of-function variants in PALB2 are known to be pathogenic (PMID: 17200668, 17200671, 17200672, 24136930, 25099575). This variant is not present in population databases (gnomAD no frequency). This premature translational stop signal has been observed in individual(s) with breast cancer (PMID: 31841383). ClinVar contains an entry for this variant (Variation ID: 480290). Studies have shown that this premature translational stop signal is associated with inconclusive levels of altered splicing (Invitae). For these reasons, this variant has been classified as Pathogenic.

Myriad Genetics, Inc.
Classification: Pathogenic for Familial cancer of breast. Last evaluated: 2023-09-14. Review status: criteria provided, single submitter. Criteria: Myriad Autosomal Dominant, Autosomal Recessive and X-Linked Classification Criteria (2023). Collection method: clinical testing. Allele origin: unknown.
Comment: This variant is considered pathogenic. This variant creates a termination codon and is predicted to result in premature protein truncation.

Mendelics
Classification: Likely pathogenic for Familial cancer of breast. Last evaluated: 2019-05-28. Review status: criteria provided, single submitter. Criteria: Mendelics Assertion Criteria 2017. Collection method: clinical testing. Allele origin: unknown.

BRCAlab, Lund University
Classification: Pathogenic for Hereditary breast ovarian cancer syndrome. Last evaluated: 2022-08-26. Review status: no assertion criteria provided. Collection method: clinical testing. Allele origin: germline. Affected: yes. Not counted in ClinVar's aggregate classification.

Literature cited by the submitters: PubMed 17200668 (cited by Labcorp Genetics (formerly Invitae), Labcorp); PubMed 17200671 (cited by Labcorp Genetics (formerly Invitae), Labcorp); PubMed 17200672 (cited by Labcorp Genetics (formerly Invitae), Labcorp); PubMed 24136930 (cited by Labcorp Genetics (formerly Invitae), Labcorp); PubMed 25099575 (cited by Labcorp Genetics (formerly Invitae), Labcorp); PubMed 31841383 (cited by Labcorp Genetics (formerly Invitae), Labcorp).